The following is an entry in ClinVar:

ClinVar aggregate classification (germline): Pathogenic/Likely pathogenic. Review status: criteria provided, multiple submitters, no conflicts (2 of 4 stars). 9 submissions from 9 submitters: Pathogenic (5); Likely pathogenic (4). Last evaluated 2026-01-28.

Conditions:
Familial cancer of breast. Also called: BREAST CANCER, FAMILIAL; hereditary breast carcinoma; Hereditary breast cancer. Identifiers: Orphanet 227535, MedGen C0346153, MONDO:0016419, OMIM 114480. Disease mechanism: loss of function.
BARD1-related cancer predisposition. Identifiers: MedGen CN377756, MONDO:0700267.
Hereditary cancer-predisposing syndrome. Also called: Neoplastic Syndromes, Hereditary; Tumor predisposition; Hereditary Cancer Syndrome; Hereditary neoplastic syndrome. Identifiers: Orphanet 140162, MedGen C0027672, MeSH D009386, MONDO:0015356.

Allele frequency attached by ClinVar (database versions not stated): ExAC 0.00002.
gnomAD v4.1: 12 of 1,597,248 alleles (0.00075%); highest among the groups gnomAD compares: Admixed American, 0.019%; no homozygotes.

Submissions (9):

Labcorp Genetics (formerly Invitae), Labcorp
Classification: Pathogenic for Familial cancer of breast. Last evaluated: 2026-01-28. Review status: criteria provided, single submitter. Criteria: Invitae Variant Classification Sherloc (09022015). Collection method: clinical testing. Allele origin: germline.
Comment: This sequence change creates a premature translational stop signal (p.Glu19*) in the BARD1 gene. It is expected to result in an absent or disrupted protein product. Loss-of-function variants in BARD1 are known to be pathogenic (PMID: 20077502, 21344236). This variant is present in population databases (rs752514155, gnomAD 0.02%). This variant has not been reported in the literature in individuals affected with BARD1-related conditions. ClinVar contains an entry for this variant (Variation ID: 233594). For these reasons, this variant has been classified as Pathogenic.

Institute for Genomic Medicine (IGM) Clinical Laboratory, Nationwide Children's Hospital
Classification: Likely pathogenic for BARD1-related cancer predisposition. Last evaluated: 2025-05-13. Review status: criteria provided, single submitter. Criteria: ACMG Guidelines, 2015. Collection method: clinical testing. Allele origin: germline.
Comment: This variant is predicted to result in loss of function through nonsense-mediated decay of the encoded transcript or premature truncation of the encoded protein in a gene in which loss of function is a known mechanism of disease (ACMG/AMP: PVS1). This variant is absent from or present at an exceedingly low frequency in gnomAD, a large-scale control population database (ACMG/AMP: PM2).

Ambry Genetics
Classification: Pathogenic for Hereditary cancer-predisposing syndrome. Last evaluated: 2024-09-05. Review status: criteria provided, single submitter. Criteria: Ambry Variant Classification Scheme 2023. Collection method: clinical testing. Allele origin: germline.
Comment: The p.E19* pathogenic mutation (also known as c.55G>T), located in coding exon 1 of the BARD1 gene, results from a G to T substitution at nucleotide position 55. This changes the amino acid from a glutamic acid to a stop codon within coding exon 1. This alteration is expected to result in loss of function by premature protein truncation or nonsense-mediated mRNA decay. As such, this alteration is interpreted as a disease-causing mutation.

Baylor Genetics
Classification: Likely pathogenic for Familial cancer of breast. Last evaluated: 2024-03-13. Review status: criteria provided, single submitter. Criteria: ACMG Guidelines, 2015. Collection method: clinical testing. Allele origin: unknown.

Quest Diagnostics Nichols Institute San Juan Capistrano
Classification: Pathogenic. Last evaluated: 2024-01-25. Review status: criteria provided, single submitter. Criteria: Quest Diagnostics criteria. Collection method: clinical testing. Allele origin: unknown.
Comment: The BARD1 c.55G>T (p.Glu19*) variant causes the premature termination of BARD1 protein synthesis. This variant has not been reported in individuals with BARD1-related conditions in the published literature. The frequency of this variant in the general population, 0.00021 (7/33694 chromosomes (Genome Aggregation Database)), is consistent with pathogenicity. Based on the available information, this variant is classified as pathogenic.

GeneDx
Classification: Likely pathogenic. Last evaluated: 2023-12-28. Review status: criteria provided, single submitter. Criteria: GeneDx Variant Classification Process June 2021. Collection method: clinical testing. Allele origin: germline. Affected: yes.
Comment: Nonsense variant predicted to result in protein truncation or nonsense mediated decay in a gene for which loss of function is a known mechanism of disease; Not observed at significant frequency in large population cohorts (gnomAD); Has not been previously published as pathogenic or benign to our knowledge; This variant is associated with the following publications: (PMID: 32679805)

Myriad Genetics, Inc.
Classification: Pathogenic for Familial cancer of breast. Last evaluated: 2023-05-17. Review status: criteria provided, single submitter. Criteria: Myriad Autosomal Dominant, Autosomal Recessive and X-Linked Classification Criteria (2023). Collection method: clinical testing. Allele origin: unknown.
Comment: This variant is considered pathogenic. This variant creates a termination codon and is predicted to result in premature protein truncation.

Color Diagnostics, LLC DBA Color Health
Classification: Pathogenic for Hereditary cancer-predisposing syndrome. Last evaluated: 2021-06-03. Review status: criteria provided, single submitter. Criteria: ACMG Guidelines, 2015. Collection method: clinical testing. Allele origin: germline.
Comment: This variant changes 1 nucleotide in exon 1 of the BARD1 gene, creating a premature translation stop signal. This variant is expected to result in an absent or non-functional protein product. To our knowledge, this variant has not been reported in individuals affected with hereditary cancer in the literature. This variant has been identified in 7/247256 chromosomes in the general population by the Genome Aggregation Database (gnomAD). Loss of BARD1 function is a known mechanism of disease. Based on the available evidence, this variant is classified as Pathogenic.

Women's Health and Genetics/Laboratory Corporation of America, LabCorp
Classification: Likely pathogenic for Familial cancer of breast. Last evaluated: 2019-07-10. Review status: criteria provided, single submitter. Criteria: LabCorp Variant Classification Summary - May 2015. Collection method: clinical testing. Allele origin: germline.
Comment: Variant summary: BARD1 c.55G>T (p.Glu19X) results in a premature termination codon, predicted to cause a truncation of the encoded protein or absence of the protein due to nonsense mediated decay, which are commonly known mechanisms for disease. Truncations downstream of this position have been classified as pathogenic by our laboratory. The variant allele was found at a frequency of 2.8e-05 in 215878 control chromosomes. To our knowledge, no occurrence of c.55G>T in individuals affected with Breast Cancer and no experimental evidence demonstrating its impact on protein function have been reported. At-least one co-occurrence with other pathogenic variant has been reported (BRCA1 c.45delT, p.Asn16MetfsX7) at our laboratory. Six clinical diagnostic laboratories (Pathogenic n=5; VUS n=1) have submitted clinical-significance assessments for this variant to ClinVar after 2014 without evidence for independent evaluation. Based on the evidence outlined above, the variant was classified as likely pathogenic.

Literature cited by the submitters: PubMed 20077502 (cited by Labcorp Genetics (formerly Invitae), Labcorp); PubMed 21344236 (cited by Labcorp Genetics (formerly Invitae), Labcorp); PubMed 32679805 (cited by Ambry Genetics and Quest Diagnostics Nichols Institute San Juan Capistrano).

NM_000465.4(BARD1):c.55G>T (p.Glu19Ter)

Gene: BARD1 (BRCA1 associated RING domain 1; minus strand). Cytogenetic location: 2q35.
Variant type: single nucleotide variant.
Coding change: c.55G>T on transcript NM_000465.4 (MANE Select); coding-DNA position 55, G replaced by T.
Protein change: p.Glu19Ter; replaces glutamic acid 19 with a stop codon.
Molecular consequence: nonsense. On other transcripts: non-coding transcript variant (3).
Genome position (GRCh38, 1-based): chr2:214,809,515, C>A on the plus strand (G>T on the coding strand, the complement: BARD1 is on the minus strand). VCF-style: chr2-214809515-C-A. GRCh37 (hg19) VCF-style: chr2-215674239-C-A.
Other names: c.55G>T, p.Glu19Ter (NM_001282543.2, NM_001282545.2, NM_001282548.2 and 1 more transcripts); short protein forms E19*.
Identifiers: ClinVar variation 233594 (VCV000233594.33), dbSNP rs752514155, ClinGen allele CA2090530.